The following is an entry in ClinVar:

NM_001134363.3(RBM20):c.65T>G (p.Val22Gly)

Gene: RBM20 (RNA binding motif protein 20; plus strand). Cytogenetic location: 10q25.2.
Variant type: single nucleotide variant.
Coding change: c.65T>G on transcript NM_001134363.3 (MANE Select); coding-DNA position 65, T replaced by G.
Protein change: p.Val22Gly; replaces valine 22 with glycine.
Molecular consequence: missense variant.
Genome position (GRCh38, 1-based): chr10:110,644,519, T>G. VCF-style: chr10-110644519-T-G. GRCh37 (hg19) VCF-style: chr10-112404277-T-G.
Other names: short protein forms V22G.
Identifiers: ClinVar variation 3693145 (VCV003693145.2).

ClinVar aggregate classification (germline): Uncertain significance (1 of 4 stars; one submission).

Conditions:
Dilated cardiomyopathy 1DD (CMD1DD). Identifiers: Orphanet 154, MedGen C2750995, MONDO:0013168, OMIM 613172.

Submission:

Labcorp Genetics (formerly Invitae), Labcorp
Classification: Uncertain significance for Dilated cardiomyopathy 1DD. Last evaluated: 2024-03-19. Review status: criteria provided, single submitter. Criteria: Invitae Variant Classification Sherloc (09022015). Collection method: clinical testing. Allele origin: germline.
Comment: This sequence change replaces valine, which is neutral and non-polar, with glycine, which is neutral and non-polar, at codon 22 of the RBM20 protein (p.Val22Gly). This variant is not present in population databases (gnomAD no frequency). This variant has not been reported in the literature in individuals affected with RBM20-related conditions. Advanced modeling of protein sequence and biophysical properties (such as structural, functional, and spatial information, amino acid conservation, physicochemical variation, residue mobility, and thermodynamic stability) performed at Invitae indicates that this missense variant is not expected to disrupt RBM20 protein function with a negative predictive value of 95%. In summary, the available evidence is currently insufficient to determine the role of this variant in disease. Therefore, it has been classified as a Variant of Uncertain Significance.